The following is an entry in ClinVar:

ClinVar aggregate classification (germline): Uncertain significance. Review status: criteria provided, multiple submitters, no conflicts (2 of 4 stars). 3 submissions from 3 submitters: Uncertain significance (3). Last evaluated 2025-03-20.

Conditions:
Hereditary cancer-predisposing syndrome. Also called: Neoplastic Syndromes, Hereditary; Tumor predisposition; Hereditary neoplastic syndrome; Hereditary Cancer Syndrome. Identifiers: Orphanet 140162, MedGen C0027672, MeSH D009386, MONDO:0015356.
Familial adenomatous polyposis 1 (FAP1). Also called: POLYPOSIS, ADENOMATOUS INTESTINAL; FAMILIAL ADENOMATOUS POLYPOSIS 1, ATTENUATED. Identifiers: MedGen C2713442, MONDO:0021056, OMIM 175100. Disease mechanism: loss of function.

Allele frequency attached by ClinVar (database versions not stated): gnomAD exomes below 0.00001; TOPMed below 0.00001; gnomAD 0.00001.
gnomAD v4.1: 2 of 1,610,274 alleles (0.00012%); highest among the groups gnomAD compares: Admixed American, 0.0017%; no homozygotes.

Submissions (3):

Labcorp Genetics (formerly Invitae), Labcorp
Classification: Uncertain significance for Familial adenomatous polyposis 1. Last evaluated: 2025-03-20. Review status: criteria provided, single submitter. Criteria: Invitae Variant Classification Sherloc (09022015). Collection method: clinical testing. Allele origin: germline.
Comment: This sequence change falls in intron 4 of the APC gene. It does not directly change the encoded amino acid sequence of the APC protein. It affects a nucleotide within the consensus splice site. This variant is not present in population databases (gnomAD no frequency). This variant has not been reported in the literature in individuals affected with APC-related conditions. ClinVar contains an entry for this variant (Variation ID: 628607). Variants that disrupt the consensus splice site are a relatively common cause of aberrant splicing (PMID: 17576681, 9536098). Studies have shown that this variant is associated with inconclusive levels of altered splicing (internal data). In summary, the available evidence is currently insufficient to determine the role of this variant in disease. Therefore, it has been classified as a Variant of Uncertain Significance.

Ambry Genetics
Classification: Uncertain significance for Hereditary cancer-predisposing syndrome. Last evaluated: 2024-12-30. Review status: criteria provided, single submitter. Criteria: Ambry Variant Classification Scheme 2023. Collection method: clinical testing. Allele origin: germline.
Comment: The c.422+3A>G intronic variant results from an A to G substitution 3 nucleotides after coding exon 3 in the APC gene. This nucleotide position is highly conserved in available vertebrate species. In silico splice site analysis predicts that this alteration may weaken the native splice donor site; however direct evidence is insufficient (Ambry internal data). Since supporting evidence is limited at this time, the clinical significance of this alteration remains unclear.

Color Diagnostics, LLC DBA Color Health
Classification: Uncertain significance for Hereditary cancer-predisposing syndrome. Last evaluated: 2023-02-28. Review status: criteria provided, single submitter. Criteria: ACMG Guidelines, 2015. Collection method: clinical testing. Allele origin: germline.
Comment: This variant causes an A to G nucleotide substitution at the +3 position of intron 4 of the APC gene. Splice site prediction tools predict that this variant may have a significant impact on RNA splicing, however, this prediction has not been confirmed in published RNA studies. To our knowledge, functional studies have not been reported for this variant. This variant has not been reported in individuals affected with APC-related disorders in the literature. This variant has not been identified in the general population by the Genome Aggregation Database (gnomAD). The available evidence is insufficient to determine the role of this variant in disease conclusively. Therefore, this variant is classified as a Variant of Uncertain Significance.

Literature cited by the submitters: PubMed 17576681 (cited by Labcorp Genetics (formerly Invitae), Labcorp); PubMed 9536098 (cited by Labcorp Genetics (formerly Invitae), Labcorp).

NM_000038.6(APC):c.422+3A>G

Gene: APC (APC regulator of Wnt signaling pathway; plus strand). Cytogenetic location: 5q22.2.
Variant type: single nucleotide variant.
Coding change: c.422+3A>G on transcript NM_000038.6 (MANE Select); 3 bases into the intron after coding-DNA position 422, A replaced by G.
Molecular consequence: intron variant.
Genome position (GRCh38, 1-based): chr5:112,767,393, A>G. VCF-style: chr5-112767393-A-G. GRCh37 (hg19) VCF-style: chr5-112103090-A-G.
Other names: c.452+3A>G (NM_001127511.3, NM_001354897.2, NM_001354902.2); c.422+3A>G (NM_001127510.3, NM_001354896.2, NM_001354903.2 and 2 more transcripts); c.347+3A>G (NM_001354898.2, NM_001354904.2); c.-614+3A>G (NM_001354906.2); c.245+3A>G (NM_001354901.2, NM_001354900.2, NM_001354905.2).
Identifiers: ClinVar variation 628607 (VCV000628607.56), dbSNP rs1561465237, ClinGen allele CA913188158.